The following is an entry in ClinVar:

ClinVar aggregate classification (germline): Likely benign. Review status: criteria provided, multiple submitters, no conflicts (2 of 4 stars). 3 submissions from 3 submitters: Likely benign (3). Last evaluated 2023-12-01.

Allele frequency attached by ClinVar (database versions not stated): gnomAD 0.00001 and 0.00004; TOPMed 0.00001; gnomAD exomes 0.00007 and 0.00020; ExAC 0.00026; 1000 Genomes Project 0.00060; 1000 Genomes Project 30x 0.00062.
gnomAD v4.1: 95 of 1,568,288 alleles (0.0061%); highest among the groups gnomAD compares: South Asian, 0.1%; 1 homozygote.

Submissions (3):

Labcorp Genetics (formerly Invitae), Labcorp
Classification: Likely benign. Last evaluated: 2023-12-01. Review status: criteria provided, single submitter. Criteria: Invitae Variant Classification Sherloc (09022015). Collection method: clinical testing. Allele origin: germline.

CeGaT Center for Human Genetics Tuebingen
Classification: Likely benign. Last evaluated: 2023-05-01. Review status: criteria provided, single submitter. Criteria: CeGaT Center For Human Genetics Tuebingen Variant Classification Criteria Version 2. Collection method: clinical testing. Allele origin: germline. Affected: yes. Observed: 1 variant allele.
Comment: ADGRV1: BP4

Laboratory for Molecular Medicine, Mass General Brigham Personalized Medicine
Classification: Likely benign. Last evaluated: 2015-01-26. Review status: criteria provided, single submitter. Criteria: LMM Criteria. Collection method: clinical testing. Allele origin: germline. Observed: 1 variant allele.
Comment: c.17204+7A>G in intron 79 of GPR98: This variant is not expected to have clinica l significance because it has been identified in 0.19% (31/16464) of South Asian chromosomes by the Exome Aggregation Consortium (ExAC) and is located outside of the splice consensus sequence.

NM_032119.4(ADGRV1):c.17204+7A>G

Gene: ADGRV1 (adhesion G protein-coupled receptor V1; plus strand). Cytogenetic location: 5q14.3.
Variant type: single nucleotide variant.
Coding change: c.17204+7A>G on transcript NM_032119.4 (MANE Select); 7 bases into the intron after coding-DNA position 17204, A replaced by G.
Molecular consequence: intron variant.
Genome position (GRCh38, 1-based): chr5:90,848,828, A>G. VCF-style: chr5-90848828-A-G. GRCh37 (hg19) VCF-style: chr5-90144645-A-G.
Identifiers: ClinVar variation 227398 (VCV000227398.34), dbSNP rs569253795, ClinGen allele CA3342312.
Genomic context (GRCh38, chr5:90,848,828, plus strand): 5'-GAATTTTGCCTTTTCTCTGCTGACTAATGTTACTTGCGGCTCTCCTGGTGAAAAGTAAGT[A>G]TCTTTTAATATATTAGCAGTACCTTTTATGCATTTTTTTCACTGTTTACAAAGCAATATG-3'